The following is an entry in ClinVar:

ClinVar aggregate classification (germline): Benign/Likely benign. Review status: criteria provided, multiple submitters, no conflicts (2 of 4 stars). 5 submissions from 5 submitters: Benign (1); Likely benign (4). Last evaluated 2026-06-01.

Conditions:
Inborn genetic diseases. Identifiers: MedGen C0950123, MeSH D030342.
Autosomal dominant childhood-onset proximal spinal muscular atrophy with contractures (SMALED2A). Also called: SPINAL MUSCULAR ATROPHY, LOWER EXTREMITY-PREDOMINANT, 2A, CHILDHOOD ONSET, AUTOSOMAL DOMINANT; Spinal muscular atrophy, lower extremity-predominant, 2A, autosomal dominant. Identifiers: Orphanet 363447, Orphanet 363454, MedGen C4747715, MONDO:0014121, OMIM 615290.

Allele frequency attached by ClinVar (database versions not stated): gnomAD 0.00003; TOPMed 0.00004; 1000 Genomes Project 30x 0.00016; 1000 Genomes Project 0.00020.
gnomAD v4.1: 205 of 1,606,936 alleles (0.013%); highest among the groups gnomAD compares: South Asian, 0.13%; 1 homozygote.

Submissions (5):

CeGaT Center for Human Genetics Tuebingen
Classification: Likely benign. Last evaluated: 2026-06-01. Review status: criteria provided, single submitter. Criteria: CeGaT Center For Human Genetics Tuebingen Variant Classification Criteria Version 2. Collection method: clinical testing. Allele origin: germline. Affected: yes. Observed: 1 variant allele.
Comment: BICD2: BP4, BP7

Labcorp Genetics (formerly Invitae), Labcorp
Classification: Likely benign for Autosomal dominant childhood-onset proximal spinal muscular atrophy with contractures. Last evaluated: 2025-09-23. Review status: criteria provided, single submitter. Criteria: Invitae Variant Classification Sherloc (09022015). Collection method: clinical testing. Allele origin: germline.

GeneDx
Classification: Benign. Last evaluated: 2020-12-18. Review status: criteria provided, single submitter. Criteria: GeneDx Variant Classification Process June 2021. Collection method: clinical testing. Allele origin: germline. Affected: yes.

Ambry Genetics
Classification: Likely benign for Inborn genetic diseases. Last evaluated: 2019-07-11. Review status: criteria provided, single submitter. Criteria: Ambry Variant Classification Scheme 2023. Collection method: clinical testing. Allele origin: germline.

ARUP Laboratories, Molecular Genetics and Genomics, ARUP Laboratories
Classification: Likely benign. Last evaluated: 2018-01-12. Review status: criteria provided, single submitter. Criteria: ARUP Molecular Germline Variant Investigation Process. Collection method: clinical testing. Allele origin: germline.
Comment: The c.1725C>G variant (rs201343832) does not alter the amino acid sequence of the BICD2 protein and computational splice site prediction algorithms do not predict a change in the nearest splice site or creation of a cryptic splice site. This variant has not been reported in association with hereditary neuropathy in medical literature or in gene specific variation databases. This variant is listed in the genome Aggregation Database (gnomAD) with a South Asian population frequency of 0.11% (identified on 34 out of 30,480 chromosomes). Based on these observations, the c.1725C>G variant is likely to be benign.

NM_001003800.2(BICD2):c.1725C>G (p.Pro575=)

Gene: BICD2 (BICD cargo adaptor 2; minus strand). Cytogenetic location: 9q22.31.
Variant type: single nucleotide variant.
Coding change: c.1725C>G on transcript NM_001003800.2 (MANE Select); coding-DNA position 1725, C replaced by G.
Protein change: p.Pro575=; no amino-acid change (proline 575 retained).
Molecular consequence: synonymous variant.
Genome position (GRCh38, 1-based): chr9:92,718,920, G>C on the plus strand (C>G on the coding strand, the complement: BICD2 is on the minus strand). VCF-style: chr9-92718920-G-C. GRCh37 (hg19) VCF-style: chr9-95481202-G-C.
Other names: c.1725C>G, p.Pro575= (NM_015250.4).
Identifiers: ClinVar variation 439433 (VCV000439433.24), dbSNP rs201343832, ClinGen allele CA5126498.